The following is an entry in ClinVar:

NM_001042492.3(NF1):c.4486C>G (p.Leu1496Val)

Gene: NF1 (neurofibromin 1; plus strand). Cytogenetic location: 17q11.2.
Variant type: single nucleotide variant.
Coding change: c.4486C>G on transcript NM_001042492.3 (MANE Select); coding-DNA position 4486, C replaced by G.
Protein change: p.Leu1496Val; replaces leucine 1496 with valine.
Molecular consequence: missense variant.
Genome position (GRCh38, 1-based): chr17:31,260,424, C>G. VCF-style: chr17-31260424-C-G. GRCh37 (hg19) VCF-style: chr17-29587442-C-G.
Other names: c.4423C>G, p.Leu1475Val (NM_000267.4); short protein forms L1496V, L1475V.
Identifiers: ClinVar variation 1740496 (VCV001740496.4), dbSNP rs1555618823, ClinGen allele CA398999425.

ClinVar aggregate classification (germline): Uncertain significance. Review status: criteria provided, multiple submitters, no conflicts (2 of 4 stars). 2 submissions from 2 submitters: Uncertain significance (2). Last evaluated 2024-10-09.

Conditions:
Neurofibromatosis, type 1 (NF1). Also called: VON RECKLINGHAUSEN DISEASE; NEUROFIBROMATOSIS, TYPE I, SOMATIC; Neurofibromatosis, type I; Peripheral type neurofibromatosis. Identifiers: Orphanet 636, MedGen C0027831, MONDO:0018975, OMIM 162200. Disease mechanism: loss of function.
Cardiovascular phenotype. Identifiers: MedGen CN230736.
Hereditary cancer-predisposing syndrome. Also called: Neoplastic Syndromes, Hereditary; Tumor predisposition; Hereditary Cancer Syndrome; Hereditary neoplastic syndrome. Identifiers: Orphanet 140162, MedGen C0027672, MeSH D009386, MONDO:0015356.

Submissions (2):

Labcorp Genetics (formerly Invitae), Labcorp
Classification: Uncertain significance for Neurofibromatosis, type 1. Last evaluated: 2024-10-09. Review status: criteria provided, single submitter. Criteria: Invitae Variant Classification Sherloc (09022015). Collection method: clinical testing. Allele origin: germline.
Comment: This sequence change replaces leucine, which is neutral and non-polar, with valine, which is neutral and non-polar, at codon 1475 of the NF1 protein (p.Leu1475Val). This variant is not present in population databases (gnomAD no frequency). This variant has not been reported in the literature in individuals affected with NF1-related conditions. ClinVar contains an entry for this variant (Variation ID: 1740496). Invitae Evidence Modeling of protein sequence and biophysical properties (such as structural, functional, and spatial information, amino acid conservation, physicochemical variation, residue mobility, and thermodynamic stability) indicates that this missense variant is expected to disrupt NF1 protein function with a positive predictive value of 80%. In summary, the available evidence is currently insufficient to determine the role of this variant in disease. Therefore, it has been classified as a Variant of Uncertain Significance.

Ambry Genetics
Classification: Uncertain significance for Cardiovascular phenotype; Hereditary cancer-predisposing syndrome. Last evaluated: 2021-03-31. Review status: criteria provided, single submitter. Criteria: Ambry Variant Classification Scheme 2023. Collection method: clinical testing. Allele origin: germline.
Comment: The p.L1475V variant (also known as c.4423C>G), located in coding exon 33 of the NF1 gene, results from a C to G substitution at nucleotide position 4423. The leucine at codon 1475 is replaced by valine, an amino acid with highly similar properties. This amino acid position is highly conserved in available vertebrate species. In addition, the in silico prediction for this alteration is inconclusive. Since supporting evidence is limited at this time, the clinical significance of this alteration remains unclear.